The following is an entry in ClinVar:

ClinVar aggregate classification (germline): Pathogenic. Review status: criteria provided, multiple submitters, no conflicts (2 of 4 stars). 3 submissions from 3 submitters: Pathogenic (3). Last evaluated 2026-01-21.

Allele frequency attached by ClinVar (database versions not stated): gnomAD exomes below 0.00001.
gnomAD v4.1: 1 of 1,587,914 alleles (0.000063%); highest among the groups gnomAD compares: Non-Finnish European, 0.000086%; no homozygotes.

Submissions (3):

Labcorp Genetics (formerly Invitae), Labcorp
Classification: Pathogenic. Last evaluated: 2026-01-21. Review status: criteria provided, single submitter. Criteria: Invitae Variant Classification Sherloc (09022015). Collection method: clinical testing. Allele origin: germline.
Comment: This sequence change creates a premature translational stop signal (p.Gln1474*) in the CDK5RAP2 gene. It is expected to result in an absent or disrupted protein product. Loss-of-function variants in CDK5RAP2 are known to be pathogenic (PMID: 15793586, 20460369, 26436113). This variant is not present in population databases (gnomAD no frequency). This variant has not been reported in the literature in individuals affected with CDK5RAP2-related conditions. ClinVar contains an entry for this variant (Variation ID: 2673189). For these reasons, this variant has been classified as Pathogenic.

GeneDx
Classification: Pathogenic. Last evaluated: 2024-12-09. Review status: criteria provided, single submitter. Criteria: GeneDx Variant Classification Process June 2021. Collection method: clinical testing. Allele origin: germline. Affected: yes.
Comment: Nonsense variant predicted to result in protein truncation or nonsense mediated decay in a gene for which loss of function is a known mechanism of disease; Not observed at significant frequency in large population cohorts (gnomAD); Has not been previously published as pathogenic or benign to our knowledge

CeGaT Center for Human Genetics Tuebingen
Classification: Pathogenic. Last evaluated: 2023-11-01. Review status: criteria provided, single submitter. Criteria: CeGaT Center For Human Genetics Tuebingen Variant Classification Criteria Version 2. Collection method: clinical testing. Allele origin: germline. Affected: yes. Observed: 1 variant allele.
Comment: CDK5RAP2: PVS1, PM2

Literature cited by the submitters: PubMed 15793586 (cited by Labcorp Genetics (formerly Invitae), Labcorp); PubMed 20460369 (cited by Labcorp Genetics (formerly Invitae), Labcorp); PubMed 26436113 (cited by Labcorp Genetics (formerly Invitae), Labcorp).

NM_018249.6(CDK5RAP2):c.4420C>T (p.Gln1474Ter)

Gene: CDK5RAP2 (CDK5 regulatory subunit associated protein 2; minus strand). Cytogenetic location: 9q33.2.
Variant type: single nucleotide variant.
Coding change: c.4420C>T on transcript NM_018249.6 (MANE Select); coding-DNA position 4420, C replaced by T.
Protein change: p.Gln1474Ter; replaces glutamine 1474 with a stop codon.
Molecular consequence: nonsense. On other transcripts: non-coding transcript variant (5).
Genome position (GRCh38, 1-based): chr9:120,409,311, G>A on the plus strand (C>T on the coding strand, the complement: CDK5RAP2 is on the minus strand). VCF-style: chr9-120409311-G-A. GRCh37 (hg19) VCF-style: chr9-123171589-G-A.
Other names: c.4420C>T, p.Gln1474Ter (NM_001011649.3); c.3730C>T, p.Gln1244Ter (NM_001272039.2); c.4321C>T, p.Gln1441Ter (NM_001410992.1); c.4324C>T, p.Gln1442Ter (NM_001410993.1); c.4417C>T, p.Gln1473Ter (NM_001410994.1); c.4420C>T (NM_018249.4); short protein forms Q1244*, Q1441*, Q1442*, Q1473*, Q1474*.
Identifiers: ClinVar variation 2673189 (VCV002673189.26), dbSNP rs2538900419, ClinGen allele CA374716120.